The following is an entry in ClinVar:

ClinVar aggregate classification (germline): Conflicting classifications of pathogenicity. Review status: criteria provided, conflicting classifications (1 of 4 stars). 4 submissions from 4 submitters: Uncertain significance (1); Benign (1); Likely benign (2). Last evaluated 2026-07-01.

Conditions:
Vanishing white matter disease. Also called: CACH syndrome; Childhood ataxia with diffuse central nervous system hypomyelination; Leukoencephalopathy with vanishing white matter; CACH/VWM syndrome; Cree leukoencehalopathy. Identifiers: Orphanet 135, Orphanet 99853, MedGen C1858991, MONDO:0800448.

Allele frequency attached by ClinVar (database versions not stated): gnomAD exomes 0.00049; TOPMed 0.00022; gnomAD 0.00027 and 0.00029; ExAC 0.00029; ESP Exome Variant Server 0.00031.

Submissions (4):

CeGaT Center for Human Genetics Tuebingen
Classification: Likely benign. Last evaluated: 2026-07-01. Review status: criteria provided, single submitter. Criteria: CeGaT Center For Human Genetics Tuebingen Variant Classification Criteria Version 2. Collection method: clinical testing. Allele origin: germline. Affected: yes. Observed: 2 variant alleles.
Comment: EIF2B4: BP4, BP7

Labcorp Genetics (formerly Invitae), Labcorp
Classification: Benign. Last evaluated: 2026-02-04. Review status: criteria provided, single submitter. Criteria: Invitae Variant Classification Sherloc (09022015). Collection method: clinical testing. Allele origin: germline.

Blueprint Genetics
Classification: Likely benign. Last evaluated: 2024-09-05. Review status: criteria provided, single submitter. Criteria: ACMG Guidelines, 2015. Collection method: clinical testing. Allele origin: germline.

Illumina Laboratory Services, Illumina
Classification: Uncertain significance for Leukoencephalopathy with vanishing white matter 1. Last evaluated: 2018-01-12. Review status: criteria provided, single submitter. Criteria: ICSL Variant Classification Criteria 13 December 2019. Collection method: clinical testing. Allele origin: germline.

NM_001034116.2(EIF2B4):c.1383T>C (p.Asp461=)

Genes: EIF2B4 (eukaryotic translation initiation factor 2B subunit delta; minus strand), GTF3C2-AS2 (GTF3C2 antisense RNA 2; plus strand). Cytogenetic location: 2p23.3.
Variant type: single nucleotide variant.
Coding change: c.1383T>C on transcript NM_001034116.2 (MANE Select); coding-DNA position 1383, T replaced by C.
Protein change: p.Asp461=; no amino-acid change (aspartic acid 461 retained).
Molecular consequence: synonymous variant.
Genome position (GRCh38, 1-based): chr2:27,364,589, A>G on the plus strand (T>C on the coding strand, the complement: EIF2B4 is on the minus strand). VCF-style: chr2-27364589-A-G. GRCh37 (hg19) VCF-style: chr2-27587456-A-G.
Other names: c.1446T>C, p.Asp482= (NM_001318965.2); c.1338T>C, p.Asp446= (NM_001318966.2); c.1290T>C, p.Asp430= (NM_001318967.2); c.798T>C, p.Asp266= (NM_001318968.2); c.765T>C, p.Asp255= (NM_001318969.2); c.1380T>C, p.Asp460= (NM_015636.4); c.1443T>C, p.Asp481= (NM_172195.4).
Identifiers: ClinVar variation 335533 (VCV000335533.11), dbSNP rs141403112, ClinGen allele CA1576581.
Genomic context (GRCh38, chr2:27,364,589, plus strand): 5'-GGATGCGTGGTTCTGCCAGTTAGCCAGCGCAACATGTTCTCCCCGCTTACATTGCAGATC[A>G]TCAGGGTCATCTGCAATGGAAGGCGTACCCATTATGTTCTTTCAGAAAAGAAGTTCTAGT-3'
Protein context (NP_001029288.1, residues 451-471): AFVSNELDDP[Asp461=]DLQCKRGEHV